The following is an entry in ClinVar:

ClinVar aggregate classification (germline): Uncertain significance. Review status: criteria provided, multiple submitters, no conflicts (2 of 4 stars). 2 submissions from 2 submitters: Uncertain significance (2). Last evaluated 2024-05-26.

Conditions:
Hereditary nonpolyposis colorectal neoplasms. Identifiers: MedGen C0009405, MeSH D003123.
Hereditary cancer-predisposing syndrome. Also called: Neoplastic Syndromes, Hereditary; Tumor predisposition; Hereditary Cancer Syndrome; Hereditary neoplastic syndrome. Identifiers: Orphanet 140162, MedGen C0027672, MeSH D009386, MONDO:0015356.

Submissions (2):

Labcorp Genetics (formerly Invitae), Labcorp
Classification: Uncertain significance for Hereditary nonpolyposis colorectal neoplasms. Last evaluated: 2024-05-26. Review status: criteria provided, single submitter. Criteria: Invitae Variant Classification Sherloc (09022015). Collection method: clinical testing. Allele origin: germline.
Comment: This sequence change replaces glycine, which is neutral and non-polar, with arginine, which is basic and polar, at codon 497 of the PMS2 protein (p.Gly497Arg). This variant is not present in population databases (gnomAD no frequency). This variant has not been reported in the literature in individuals affected with PMS2-related conditions. ClinVar contains an entry for this variant (Variation ID: 918296). Advanced modeling of protein sequence and biophysical properties (such as structural, functional, and spatial information, amino acid conservation, physicochemical variation, residue mobility, and thermodynamic stability) performed at Invitae indicates that this missense variant is not expected to disrupt PMS2 protein function with a negative predictive value of 80%. In summary, the available evidence is currently insufficient to determine the role of this variant in disease. Therefore, it has been classified as a Variant of Uncertain Significance.

Color Diagnostics, LLC DBA Color Health
Classification: Uncertain significance for Hereditary cancer-predisposing syndrome. Last evaluated: 2024-03-06. Review status: criteria provided, single submitter. Criteria: ACMG Guidelines, 2015. Collection method: clinical testing. Allele origin: germline.
Comment: This missense variant replaces glycine with arginine at codon 497 of the PMS2 protein. Computational prediction tool suggests that this variant may not impact protein structure and function (internally defined REVEL score threshold <=0.5, PMID: 27666373). Splice site prediction tools suggest that this variant may not impact RNA splicing. To our knowledge, functional studies have not been performed for this variant. This variant has not been reported in individuals affected with hereditary cancer in the literature. This variant has not been identified in the general population by the Genome Aggregation Database (gnomAD). The available evidence is insufficient to determine the role of this variant in disease conclusively. Therefore, this variant is classified as a Variant of Uncertain Significance.

NM_000535.7(PMS2):c.1489G>C (p.Gly497Arg)

Gene: PMS2 (PMS1 homolog 2, mismatch repair system component; minus strand). Cytogenetic location: 7p22.1.
Variant type: single nucleotide variant.
Coding change: c.1489G>C on transcript NM_000535.7 (MANE Select); coding-DNA position 1489, G replaced by C.
Protein change: p.Gly497Arg; replaces glycine 497 with arginine.
Molecular consequence: missense variant. On other transcripts: non-coding transcript variant (1).
Genome position (GRCh38, 1-based): chr7:5,987,276, C>G on the plus strand (G>C on the coding strand, the complement: PMS2 is on the minus strand). VCF-style: chr7-5987276-C-G. GRCh37 (hg19) VCF-style: chr7-6026907-C-G.
Other names: c.1084G>C, p.Gly362Arg (NM_001322003.2, NM_001322004.2, NM_001322005.2 and 1 more transcripts); c.1333G>C, p.Gly445Arg (NM_001322006.2); c.1171G>C, p.Gly391Arg (NM_001322007.2, NM_001322008.2); c.928G>C, p.Gly310Arg (NM_001322010.2); c.556G>C, p.Gly186Arg (NM_001322011.2, NM_001322012.2); c.916G>C, p.Gly306Arg (NM_001322013.2); c.1489G>C, p.Gly497Arg (NM_001322014.2); c.1180G>C, p.Gly394Arg (NM_001322015.2); short protein forms G306R, G445R, G186R, G310R, G362R, G394R, G497R, G391R.
Identifiers: ClinVar variation 918296 (VCV000918296.6), dbSNP rs749826312, ClinGen allele CA366741801.